The following is an entry in ClinVar:

ClinVar aggregate classification (germline): Conflicting classifications of pathogenicity. Review status: criteria provided, conflicting classifications (1 of 4 stars). 3 submissions from 3 submitters: Uncertain significance (1); Likely benign (2). Last evaluated 2025-07-25.

Conditions:
Hereditary breast ovarian cancer syndrome. Also called: Hereditary breast and ovarian cancer; Hereditary breast and ovarian cancer syndrome; Breast and ovarian cancer; BRCA1- and BRCA2-Associated Hereditary Breast and Ovarian Cancer; Hereditary breast and ovarian cancer syndrome (HBOC); Hereditary breast and/or ovarian cancer syndrome. Identifiers: Orphanet 145, MedGen C0677776, MeSH D061325, MONDO:0003582. Disease mechanism: loss of function.
Hereditary cancer-predisposing syndrome. Also called: Hereditary Cancer Syndrome; Hereditary neoplastic syndrome; Tumor predisposition; Neoplastic Syndromes, Hereditary. Identifiers: Orphanet 140162, MedGen C0027672, MeSH D009386, MONDO:0015356.

Submissions (3):

Labcorp Genetics (formerly Invitae), Labcorp
Classification: Uncertain significance for Hereditary breast ovarian cancer syndrome. Last evaluated: 2025-07-25. Review status: criteria provided, single submitter. Criteria: Invitae Variant Classification Sherloc (09022015). Collection method: clinical testing. Allele origin: germline.
Comment: This sequence change replaces glutamine, which is neutral and polar, with histidine, which is basic and polar, at codon 569 of the BRCA2 protein (p.Gln569His). This variant is not present in population databases (gnomAD no frequency). This variant has not been reported in the literature in individuals affected with BRCA2-related conditions. ClinVar contains an entry for this variant (Variation ID: 1399610). Invitae Evidence Modeling of protein sequence and biophysical properties (such as structural, functional, and spatial information, amino acid conservation, physicochemical variation, residue mobility, and thermodynamic stability) indicates that this missense variant is not expected to disrupt BRCA2 protein function with a negative predictive value of 95%. In summary, the available evidence is currently insufficient to determine the role of this variant in disease. Therefore, it has been classified as a Variant of Uncertain Significance.

University of Washington Department of Laboratory Medicine, University of Washington
Classification: Likely benign for Hereditary cancer-predisposing syndrome. Last evaluated: 2023-03-23. Review status: criteria provided, single submitter. Criteria: Dines et al. (Genet Med. 2020). Collection method: curation. Allele origin: germline.
Comment: Missense variant in a coldspot region where missense variants are very unlikely to be pathogenic (PMID:31911673).

BRCA2 exon 10 coldspot. Reclassification based on statistical prior probability.

Ambry Genetics
Classification: Likely benign for Hereditary cancer-predisposing syndrome. Last evaluated: 2021-09-01. Review status: criteria provided, single submitter. Criteria: Ambry Variant Classification Scheme 2023. Collection method: clinical testing. Allele origin: germline.

Literature cited by the submitters: PubMed 29884841 (cited by Ambry Genetics); PubMed 30287823 (cited by Ambry Genetics).

NM_000059.4(BRCA2):c.1707G>T (p.Gln569His)

Gene: BRCA2 (BRCA2 DNA repair associated; plus strand). Cytogenetic location: 13q13.1.
Variant type: single nucleotide variant.
Coding change: c.1707G>T on transcript NM_000059.4 (MANE Select); coding-DNA position 1707, G replaced by T.
Protein change: p.Gln569His; replaces glutamine 569 with histidine.
Molecular consequence: missense variant.
Genome position (GRCh38, 1-based): chr13:32,333,185, G>T. VCF-style: chr13-32333185-G-T. GRCh37 (hg19) VCF-style: chr13-32907322-G-T.
Other names: short protein forms Q569H.
Identifiers: ClinVar variation 1399610 (VCV001399610.10), dbSNP rs1555282027, ClinGen allele CA387765278.